The following is an entry in ClinVar:

NM_001136472.2(LITAF):c.*1493T>G

Gene: LITAF (lipopolysaccharide induced TNF factor; minus strand). Cytogenetic location: 16p13.13.
Variant type: single nucleotide variant.
Coding change: c.*1493T>G on transcript NM_001136472.2 (MANE Select); 1493 bases downstream of the stop codon, T replaced by G.
Molecular consequence: 3 prime UTR variant. On other transcripts: non-coding transcript variant (1).
Genome position (GRCh38, 1-based): chr16:11,548,144, A>C on the plus strand (T>G on the coding strand, the complement: LITAF is on the minus strand). VCF-style: chr16-11548144-A-C. GRCh37 (hg19) VCF-style: chr16-11642000-A-C.
Other names: c.*1618T>G (NM_001136473.1); c.*1493T>G (NM_004862.4).
Identifiers: ClinVar variation 317755 (VCV000317755.5), dbSNP rs77423500, ClinGen allele CA7903893.

ClinVar aggregate classification (germline): Benign (1 of 4 stars; one submission).

Conditions:
Charcot-Marie-Tooth disease type 1C. Also called: CHARCOT-MARIE-TOOTH DISEASE, DEMYELINATING, TYPE 1C; CMT, SLOW NERVE CONDUCTION TYPE C; HMSN IC; Charcot-Marie-Tooth disease, type IC; CHARCOT-MARIE-TOOTH NEUROPATHY, TYPE 1C; NEUROPATHY, HEREDITARY MOTOR AND SENSORY, TYPE IC. Identifiers: Orphanet 101083, MedGen C0270913, MONDO:0010995, OMIM 601098.

Allele frequency attached by ClinVar (database versions not stated): ExAC 0.00065; 1000 Genomes Project 30x 0.01562; gnomAD 0.01271 and 0.01358; gnomAD exomes 0.00146 and 0.00248; TOPMed 0.01431; 1000 Genomes Project 0.01438.
gnomAD v4.1: 2,369 of 454,138 alleles (0.52%); highest among the groups gnomAD compares: African/African-American, 4.4%; 54 homozygotes.

Submission:

Illumina Laboratory Services, Illumina
Classification: Benign for Charcot-Marie-Tooth disease type 1C. Last evaluated: 2018-01-12. Review status: criteria provided, single submitter. Criteria: ICSL Variant Classification Criteria 13 December 2019. Collection method: clinical testing. Allele origin: germline.
Comment: This variant was observed in the ICSL laboratory as part of a predisposition screen in an ostensibly healthy population. It had not been previously curated by ICSL or reported in the Human Gene Mutation Database (HGMD: prior to June 1st, 2018), and was therefore a candidate for classification through an automated scoring system. Utilizing variant allele frequency, disease prevalence and penetrance estimates, and inheritance mode, an automated score was calculated to assess if this variant is too frequent to cause the disease. Based on the score and internal cut-off values, a variant classified as benign is not then subjected to further curation. The score for this variant resulted in a classification of benign for this disease.